The following is an entry in ClinVar:

NM_000548.5(TSC2):c.1716+3G>C

Gene: TSC2 (TSC complex subunit 2; plus strand). Cytogenetic location: 16p13.3.
Variant type: single nucleotide variant.
Coding change: c.1716+3G>C on transcript NM_000548.5 (MANE Select); 3 bases into the intron after coding-DNA position 1716, G replaced by C.
Molecular consequence: intron variant.
Genome position (GRCh38, 1-based): chr16:2,065,638, G>C. VCF-style: chr16-2065638-G-C. GRCh37 (hg19) VCF-style: chr16-2115639-G-C.
Other names: c.1716+3G>C (NM_001114382.3, NM_021055.3, NM_001370405.1 and 3 more transcripts); c.1605+3G>C (NM_001318827.2); c.1116+3G>C (NM_001318831.2); c.1569+3G>C (NM_001318829.2); c.1749+3G>C (NM_001318832.2).
Identifiers: ClinVar variation 645827 (VCV000645827.9), dbSNP rs1596317691, ClinGen allele CA915946241.

ClinVar aggregate classification (germline): Conflicting classifications of pathogenicity. Review status: criteria provided, conflicting classifications (1 of 4 stars). 2 submissions from 2 submitters: Uncertain significance (1); Likely benign (1). Last evaluated 2025-10-23.

Conditions:
Tuberous sclerosis 2 (TSC2). Identifiers: Orphanet 805, MedGen C1860707, MONDO:0013199, OMIM 613254.
Hereditary cancer-predisposing syndrome. Also called: Neoplastic Syndromes, Hereditary; Hereditary Cancer Syndrome; Hereditary neoplastic syndrome; Tumor predisposition. Identifiers: Orphanet 140162, MedGen C0027672, MeSH D009386, MONDO:0015356.

Submissions (2):

Ambry Genetics
Classification: Uncertain significance for Hereditary cancer-predisposing syndrome. Last evaluated: 2025-10-23. Review status: criteria provided, single submitter. Criteria: Ambry Variant Classification Scheme 2023. Collection method: clinical testing. Allele origin: germline.
Comment: The c.1716+3G>C intronic variant results from a G to C substitution 3 nucleotides after coding exon 15 in the TSC2 gene. This nucleotide position is not well conserved in available vertebrate species. In silico splice site analysis predicts that this alteration will not have any significant effect on splicing. Based on the available evidence, the clinical significance of this variant remains unclear.

Labcorp Genetics (formerly Invitae), Labcorp
Classification: Likely benign for Tuberous sclerosis 2. Last evaluated: 2025-07-31. Review status: criteria provided, single submitter. Criteria: Invitae Variant Classification Sherloc (09022015). Collection method: clinical testing. Allele origin: germline.